The following is an entry in ClinVar:

NM_001376.5(DYNC1H1):c.4074+5A>G

Gene: DYNC1H1 (dynein cytoplasmic 1 heavy chain 1; plus strand). Cytogenetic location: 14q32.31.
Variant type: single nucleotide variant.
Coding change: c.4074+5A>G on transcript NM_001376.5 (MANE Select); 5 bases into the intron after coding-DNA position 4074, A replaced by G.
Molecular consequence: intron variant.
Genome position (GRCh38, 1-based): chr14:102,000,404, A>G. VCF-style: chr14-102000404-A-G. GRCh37 (hg19) VCF-style: chr14-102466741-A-G.
Identifiers: ClinVar variation 589619 (VCV000589619.6), dbSNP rs1567005739, ClinGen allele CA891843660.
Genomic context (GRCh38, chr14:102,000,404, plus strand): 5'-GGGAGCAAATCGATCAGATGAAGGAGCAACCCTGGGTTTCAGTACAGCCTCGAAAGGTAT[A>G]TCATGAAATCGGTGTTTGTGTACGTCTATTTTAACAGTTACAGACTTTATTTAGGAACGT-3'

ClinVar aggregate classification (germline): Uncertain significance. Review status: criteria provided, multiple submitters, no conflicts (2 of 4 stars). 2 submissions from 2 submitters: Uncertain significance (2). Last evaluated 2023-10-13.

Conditions:
Inborn genetic diseases. Identifiers: MedGen C0950123, MeSH D030342.

Allele frequency attached by ClinVar (database versions not stated): gnomAD exomes below 0.00001.
gnomAD v4.1: 3 of 1,613,586 alleles (0.00019%); highest among the groups gnomAD compares: Non-Finnish European, 0.00025%; no homozygotes.

Submissions (2):

Mayo Clinic Laboratories, Mayo Clinic
Classification: Uncertain significance. Last evaluated: 2023-10-13. Review status: criteria provided, single submitter. Criteria: ACMG Guidelines, 2015. Collection method: clinical testing. Allele origin: germline. Observed: 1 variant allele.
Comment: BP4, BP5, PM2_moderate

Ambry Genetics
Classification: Uncertain significance for Inborn genetic diseases. Last evaluated: 2017-04-18. Review status: criteria provided, single submitter. Criteria: Ambry Variant Classification Scheme 2023. Collection method: clinical testing. Allele origin: germline.
Comment: The c.4074+5A>G intronic variant results from an A to G substitution 5 nucleotides after coding exon 18 in the DYNC1H1 gene. This nucleotide position is not well conserved in available vertebrate species. Using the BDGP and ESEfinder splice site prediction tools, this alteration is not predicted to have any significant effect on this splice donor site; however, direct evidence is unavailable. Since supporting evidence is limited at this time, the clinical significance of this alteration remains unclear.